The following is an entry in ClinVar:

NM_016203.4(PRKAG2):c.1390G>A (p.Asp464Asn)

Gene: PRKAG2 (protein kinase AMP-activated non-catalytic subunit gamma 2; minus strand). Cytogenetic location: 7q36.1.
Variant type: single nucleotide variant.
Coding change: c.1390G>A on transcript NM_016203.4 (MANE Select); coding-DNA position 1390, G replaced by A.
Protein change: p.Asp464Asn; replaces aspartic acid 464 with asparagine.
Molecular consequence: missense variant.
Genome position (GRCh38, 1-based): chr7:151,565,729, C>T on the plus strand (G>A on the coding strand, the complement: PRKAG2 is on the minus strand). VCF-style: chr7-151565729-C-T. GRCh37 (hg19) VCF-style: chr7-151262815-C-T.
Other names: p.D464N:GAT>AAT; c.1258G>A, p.Asp420Asn (NM_001040633.2); c.1015G>A, p.Asp339Asn (NM_001304527.2); c.667G>A, p.Asp223Asn (NM_001304531.2, NM_024429.2); c.1018G>A, p.Asp340Asn (NM_001363698.2); short protein forms D464N, D340N, D339N, D420N, D223N.
Identifiers: ClinVar variation 45697 (VCV000045697.38), dbSNP rs397517264, ClinGen allele CA013769.

ClinVar aggregate classification (germline): Uncertain significance. Review status: criteria provided, multiple submitters, no conflicts (2 of 4 stars). 15 submissions from 14 submitters: Uncertain significance (14). 1 of the submissions does not count toward it. Last evaluated 2026-04-14.

Conditions:
PRKAG2-related disorder. Also called: PRKAG2-related disorders; PRKAG2-related condition.
Cardiovascular phenotype. Identifiers: MedGen CN230736.
Cardiomyopathy (CMYO). Also called: Cardiomyopathies. Identifiers: Orphanet 167848, MedGen C0878544, MONDO:0004994, HP:0001638. Inheritance: Various modes of inheritance.
Lethal congenital glycogen storage disease of heart. Also called: GLYCOGEN STORAGE DISEASE OF HEART; PHOSPHORYLASE KINASE DEFICIENCY OF HEART. Identifiers: Orphanet 439854, MedGen C1849813, MONDO:0009867, OMIM 261740.
Hypertrophic cardiomyopathy 6. Identifiers: MedGen C1833236, MONDO:0010946, OMIM 600858.
Wolff-Parkinson-White pattern. Also called: WPW SYNDROME; Auriculoventricular accessory pathway syndrome; False bundle branch block syndrome; Anomalous ventricular excitation syndrome. Identifiers: MedGen C0043202, MONDO:0008685, OMIM 194200, HP:0001716.
Hypertrophic cardiomyopathy. Also called: HYPERTROPHIC MYOCARDIOPATHY. Identifiers: Orphanet 217569, MedGen C0007194, MeSH D002312, MONDO:0005045, HP:0001639.

Allele frequency attached by ClinVar (database versions not stated): gnomAD 0.00001; TOPMed 0.00002; gnomAD exomes 0.00003; ExAC 0.00004.

Submissions 1 to 9 of 15:

PreventionGenetics, part of Exact Sciences
Classification: Uncertain significance for PRKAG2-related condition. Last evaluated: 2026-04-14. Review status: criteria provided, single submitter. Criteria: ACMG Guidelines, 2015. Collection method: clinical testing. Allele origin: germline.
Comment: The PRKAG2 c.1390G>A variant is predicted to result in the amino acid substitution p.Asp464Asn. This variant has been reported as a variant of uncertain significance in cohorts of individuals with dilated cardiomyopathy or cardiac arrhythmias (Proost et al. 2017. PubMed ID: 28341588; Table S1, VanDyke et al. 2021. PubMed ID: 33029862; Table S5, Perret et al. 2024. PubMed ID: 37904629). This variant is reported in 0.0070% of alleles in individuals of European (Non-Finnish) descent in gnomAD. At this time, the clinical significance of this variant is uncertain due to the absence of conclusive functional and genetic evidence.

Labcorp Genetics (formerly Invitae), Labcorp
Classification: Uncertain significance for Lethal congenital glycogen storage disease of heart. Last evaluated: 2025-11-24. Review status: criteria provided, single submitter. Criteria: Invitae Variant Classification Sherloc (09022015). Collection method: clinical testing. Allele origin: germline.
Comment: This sequence change replaces aspartic acid, which is acidic and polar, with asparagine, which is neutral and polar, at codon 464 of the PRKAG2 protein (p.Asp464Asn). This variant is present in population databases (rs397517264, gnomAD 0.007%). This missense change has been observed in individual(s) with arrhythmogenic cardiomyopathy and/or dilated cardiomyopathy (PMID: 33029862, 37904629; internal data). ClinVar contains an entry for this variant (Variation ID: 45697). Invitae Evidence Modeling of protein sequence and biophysical properties (such as structural, functional, and spatial information, amino acid conservation, physicochemical variation, residue mobility, and thermodynamic stability) indicates that this missense variant is not expected to disrupt PRKAG2 protein function with a negative predictive value of 95%. In summary, the available evidence is currently insufficient to determine the role of this variant in disease. Therefore, it has been classified as a Variant of Uncertain Significance.

ARUP Laboratories, Molecular Genetics and Genomics, ARUP Laboratories
Classification: Uncertain significance. Last evaluated: 2024-08-29. Review status: criteria provided, single submitter. Criteria: ARUP Molecular Germline Variant Investigation Process 2024. Collection method: clinical testing. Allele origin: germline.
Comment: The PRKAG2 c.1390G>A; p.Asp464Asn variant (rs397517264, ClinVar Variation ID: 45697) is reported in the literature in two individuals affected with dilated cardiomyopathy (DCM) and one individual affected with primary electrical disease (Perret 2024, Proost 2017, VanDyke 2021). This variant is found in the non-Finnish European population with an allele frequency of 0.007% (8/113758 alleles) in the Genome Aggregation Database (v2.1.1). Computational analyses are uncertain whether this variant is neutral or deleterious (REVEL: 0.506). Due to limited information, the clinical significance of this variant is uncertain at this time. References: Perret C et al. DNA-pools targeted-sequencing as a robust cost-effective method to detect rare variants: Application to dilated cardiomyopathy genetic diagnosis. Clin Genet. 2024 Feb;105(2):185-189. PMID: 37904629. Proost D et al. Targeted Next-Generation Sequencing of 51 Genes Involved in Primary Electrical Disease. J Mol Diagn. 2017 May;19(3):445-459. PMID: 28341588. VanDyke RE et al. Impact of variant reclassification in the clinical setting of cardiovascular genetics. J Genet Couns. 2021 Apr;30(2):503-512. PMID: 33029862.

All of Us Research Program, National Institutes of Health
Classification: Uncertain significance for Hypertrophic cardiomyopathy. Last evaluated: 2024-04-16. Review status: criteria provided, single submitter. Criteria: ACMG Guidelines, 2015. Collection method: clinical testing. Allele origin: germline. Inheritance: Autosomal dominant inheritance. Observed: 4 variant alleles, 4 heterozygotes.
Comment: This missense variant replaces aspartic acid with asparagine at codon 464 of the PRKAG2 protein. Computational prediction is inconclusive regarding the impact of this variant on protein structure and function (internally defined REVEL score threshold 0.5 < inconclusive < 0.7, PMID: 27666373). To our knowledge, functional studies have not been reported for this variant. This variant has been reported in individuals affected with hypertrophic cardiomyopathy (ClinVar: SCV001156311.1, SCV001468149.1, SCV000264153.2) or dilated cardiomyopathy (PMID: 33029862). This variant has also been reported in two related individuals affected with left ventricular noncompaction cardiomyopathy and Wolff-Parkinson-White syndrome (ClinVar: SCV000062594.5). This variant has been identified in 8/251482 chromosomes in the general population by the Genome Aggregation Database (gnomAD). The available evidence is insufficient to determine the role of this variant in disease conclusively. Therefore, this variant is classified as a Variant of Uncertain Significance.

This study involves interpretation of variants in research participants for the purpose of population health screening. Participant phenotype was not available at the time of variant classification. Additional details can be found in publication PMID: 35346344, PMCID: PMC8962531

Blueprint Genetics
Classification: Uncertain significance. Last evaluated: 2024-03-13. Review status: criteria provided, single submitter. Criteria: ACMG Guidelines, 2015. Collection method: clinical testing. Allele origin: germline.

Ambry Genetics
Classification: Uncertain significance for Cardiovascular phenotype. Last evaluated: 2024-02-21. Review status: criteria provided, single submitter. Criteria: Ambry Variant Classification Scheme 2023. Collection method: clinical testing. Allele origin: germline.
Comment: The p.D464N variant (also known as c.1390G>A), located in coding exon 12 of the PRKAG2 gene, results from a G to A substitution at nucleotide position 1390. The aspartic acid at codon 464 is replaced by asparagine, an amino acid with highly similar properties. This variant was detected in one individual from a primary electrical disease cohort, who had additional cardiac variants also reported (Proost D et al. J Mol Diagn, 2017 05;19:445-459). This alteration has also been reported in association with dilated cardiomyopathy (DCM) (VanDyke RE et al. J Genet Couns, 2021 Apr;30:503-512; Perret C et al. Clin Genet, 2024 Feb;105:185-189). This amino acid position is highly conserved in available vertebrate species. In addition, the in silico prediction for this alteration is inconclusive. Since supporting evidence is limited at this time, the clinical significance of this alteration remains unclear.

Color Diagnostics, LLC DBA Color Health
Classification: Uncertain significance for Cardiomyopathy. Last evaluated: 2024-02-05. Review status: criteria provided, single submitter. Criteria: ACMG Guidelines, 2015. Collection method: clinical testing. Allele origin: germline.
Comment: This missense variant replaces aspartic acid with asparagine at codon 464 of the PRKAG2 protein. Computational prediction tools indicate that this variant's impact on protein structure and function is inconclusive. To our knowledge, functional studies have not been reported for this variant. This variant has been reported in three individuals affected with hypertrophic cardiomyopathy (ClinVar SCV001468149.1; SCV001156311.1; SCV000264153.2) and in two individuals affected with dilated cardiomyopathy (PMID: 33029862, 37904629). This variant has also been reported in two related individuals affected with left ventricular noncompaction cardiomyopathy and Wolff-Parkinson-White syndrome (ClinVar SCV000062594.5). This variant has been identified in 8/251482 chromosomes in the general population by the Genome Aggregation Database (gnomAD). The available evidence is insufficient to determine the role of this variant in disease conclusively. Therefore, this variant is classified as a Variant of Uncertain Significance.

CHEO Genetics Diagnostic Laboratory, Children's Hospital of Eastern Ontario
Classification: Uncertain significance for Cardiomyopathy. Last evaluated: 2023-05-16. Review status: criteria provided, single submitter. Criteria: ACMG Guidelines, 2015. Collection method: clinical testing. Allele origin: germline.

GeneDx
Classification: Uncertain significance. Last evaluated: 2020-07-10. Review status: criteria provided, single submitter. Criteria: GeneDx Variant Classification Process June 2021. Collection method: clinical testing. Allele origin: germline. Affected: yes.
Comment: Reported in ClinVar as a variant of uncertain significance by several laboratories; In silico analysis, which includes protein predictors and evolutionary conservation, supports a deleterious effect; This variant is associated with the following publications: (PMID: 28341588)